The following is an entry in ClinVar:

ClinVar aggregate classification (germline): Likely benign. Review status: criteria provided, multiple submitters, no conflicts (2 of 4 stars). 3 submissions from 3 submitters: Likely benign (3). Last evaluated 2025-09-01.

Allele frequency attached by ClinVar (database versions not stated): 1000 Genomes Project 0.00180; 1000 Genomes Project 30x 0.00219; gnomAD exomes 0.00311 and 0.00494; ExAC 0.00320; TOPMed 0.00324; ESP Exome Variant Server 0.00446.
gnomAD v4.1: 7,585 of 1,614,134 alleles (0.47%); highest among the groups gnomAD compares: Non-Finnish European, 0.59%; 19 homozygotes.

Submissions (3):

CeGaT Center for Human Genetics Tuebingen
Classification: Likely benign. Last evaluated: 2025-09-01. Review status: criteria provided, single submitter. Criteria: CeGaT Center For Human Genetics Tuebingen Variant Classification Criteria Version 2. Collection method: clinical testing. Allele origin: germline. Affected: yes. Observed: 3 variant alleles.
Comment: GPR18: BP4, BS2

Labcorp Genetics (formerly Invitae), Labcorp
Classification: Likely benign. Last evaluated: 2018-07-29. Review status: criteria provided, single submitter. Criteria: Invitae Variant Classification Sherloc (09022015). Collection method: clinical testing. Allele origin: germline.

Breakthrough Genomics
Classification: Likely benign. Review status: criteria provided, single submitter. Criteria: ACMG Guidelines, 2015. Collection method: not provided. Allele origin: germline. Inheritance: Unknown mechanism. Affected: yes.

NM_001098200.2(GPR18):c.559C>A (p.Leu187Met)

Genes: GPR18 (G protein-coupled receptor 18; minus strand), UBAC2 (UBA domain containing 2; plus strand). Cytogenetic location: 13q32.3.
Variant type: single nucleotide variant.
Coding change: c.559C>A on transcript NM_001098200.2 (MANE Select); coding-DNA position 559, C replaced by A.
Protein change: p.Leu187Met; replaces leucine 187 with methionine.
Molecular consequence: missense variant. On other transcripts: intron variant (2).
Genome position (GRCh38, 1-based): chr13:99,255,314, G>T on the plus strand (C>A on the coding strand, the complement: GPR18 is on the minus strand). VCF-style: chr13-99255314-G-T. GRCh37 (hg19) VCF-style: chr13-99907568-G-T.
Other names: c.559C>A, p.Leu187Met (NM_005292.4); c.284+16760G>T (NM_177967.4); c.389+10690G>T (NM_001144072.2); short protein forms L187M.
Identifiers: ClinVar variation 770422 (VCV000770422.17), dbSNP rs41279138, ClinGen allele CA7030846.